The following is an entry in ClinVar:

NM_001042492.3(NF1):c.7762C>T (p.Gln2588Ter)

Gene: NF1 (neurofibromin 1; plus strand). Cytogenetic location: 17q11.2.
Variant type: single nucleotide variant.
Coding change: c.7762C>T on transcript NM_001042492.3 (MANE Select); coding-DNA position 7762, C replaced by T.
Protein change: p.Gln2588Ter; replaces glutamine 2588 with a stop codon.
Molecular consequence: nonsense.
Genome position (GRCh38, 1-based): chr17:31,356,983, C>T. VCF-style: chr17-31356983-C-T. GRCh37 (hg19) VCF-style: chr17-29684001-C-T.
Other names: c.7699C>T, p.Gln2567Ter (NM_000267.4); short protein forms Q2588*, Q2567*.
Identifiers: ClinVar variation 484056 (VCV000484056.19), dbSNP rs1555536687, ClinGen allele CA399018381.

ClinVar aggregate classification (germline): Pathogenic. Review status: criteria provided, multiple submitters, no conflicts (2 of 4 stars). 5 submissions from 5 submitters: Pathogenic (5). Last evaluated 2025-07-11.

Conditions:
Cardiovascular phenotype. Identifiers: MedGen CN230736.
Hereditary cancer-predisposing syndrome. Also called: Hereditary neoplastic syndrome; Neoplastic Syndromes, Hereditary; Tumor predisposition; Hereditary Cancer Syndrome. Identifiers: Orphanet 140162, MedGen C0027672, MeSH D009386, MONDO:0015356.
Neurofibromatosis, type 1 (NF1). Also called: VON RECKLINGHAUSEN DISEASE; Peripheral type neurofibromatosis; NEUROFIBROMATOSIS, TYPE I, SOMATIC; Neurofibromatosis, type I. Identifiers: Orphanet 636, MedGen C0027831, MONDO:0018975, OMIM 162200. Disease mechanism: loss of function.

Submissions (5):

Ambry Genetics
Classification: Pathogenic for Cardiovascular phenotype; Hereditary cancer-predisposing syndrome. Last evaluated: 2025-07-11. Review status: criteria provided, single submitter. Criteria: Ambry Variant Classification Scheme 2023. Collection method: clinical testing. Allele origin: germline.
Comment: The p.Q2567* pathogenic mutation (also known as c.7699C>T), located in coding exon 52 of the NF1 gene, results from a C to T substitution at nucleotide position 7699. This changes the amino acid from a glutamine to a stop codon within coding exon 52. This variant was reported in individual(s) with features consistent with neurofibromatosis type 1 (Fahsold R et al. Am. J. Hum. Genet. 2000 Mar;66:790-818; Flotho C et al. Oncogene. 2007 Aug;26:5816-21; Ambry internal data). This variant is considered to be rare based on population cohorts in the Genome Aggregation Database (gnomAD). This alteration is expected to result in loss of function by premature protein truncation or nonsense-mediated mRNA decay. As such, this alteration is interpreted as a disease-causing mutation.

GeneDx
Classification: Pathogenic. Last evaluated: 2022-08-03. Review status: criteria provided, single submitter. Criteria: GeneDx Variant Classification Process June 2021. Collection method: clinical testing. Allele origin: germline. Affected: yes.
Comment: Nonsense variant predicted to result in protein truncation or nonsense mediated decay in a gene for which loss-of-function is a known mechanism of disease; Not observed in large population cohorts (gnomAD); This variant is associated with the following publications: (PMID: 17353900, 25525159, 10712197)

Genome-Nilou Lab
Classification: Pathogenic for Neurofibromatosis, type 1. Last evaluated: 2022-03-15. Review status: criteria provided, single submitter. Criteria: ACMG Guidelines, 2015. Collection method: clinical testing. Allele origin: germline. Affected: no.

Labcorp Genetics (formerly Invitae), Labcorp
Classification: Pathogenic for Neurofibromatosis, type 1. Last evaluated: 2021-11-23. Review status: criteria provided, single submitter. Criteria: Invitae Variant Classification Sherloc (09022015). Collection method: clinical testing. Allele origin: germline.
Comment: For these reasons, this variant has been classified as Pathogenic. ClinVar contains an entry for this variant (Variation ID: 484056). This premature translational stop signal has been observed in individual(s) with neurofibromatosis type 1 (NF1) (PMID: 10712197, 22155606). This variant is not present in population databases (gnomAD no frequency). This sequence change creates a premature translational stop signal (p.Gln2567*) in the NF1 gene. It is expected to result in an absent or disrupted protein product. Loss-of-function variants in NF1 are known to be pathogenic (PMID: 10712197, 23913538).

ARUP Laboratories, Molecular Genetics and Genomics, ARUP Laboratories
Classification: Pathogenic. Last evaluated: 2017-12-06. Review status: criteria provided, single submitter. Criteria: ARUP Molecular Germline Variant Investigation Process. Collection method: clinical testing. Allele origin: germline.

Literature cited by the submitters: PubMed 10712197 (cited by Ambry Genetics and Labcorp Genetics (formerly Invitae), Labcorp); PubMed 17353900 (cited by Ambry Genetics); PubMed 25525159 (cited by Ambry Genetics); PubMed 22155606 (cited by Labcorp Genetics (formerly Invitae), Labcorp); PubMed 23913538 (cited by Labcorp Genetics (formerly Invitae), Labcorp).